The following is an entry in ClinVar:

NM_152269.5(MTRFR):c.26T>C (p.Phe9Ser)

Gene: MTRFR (mitochondrial translation release factor in rescue; plus strand). Cytogenetic location: 12q24.31.
Variant type: single nucleotide variant.
Coding change: c.26T>C on transcript NM_152269.5 (MANE Select); coding-DNA position 26, T replaced by C.
Protein change: p.Phe9Ser; replaces phenylalanine 9 with serine.
Molecular consequence: missense variant.
Genome position (GRCh38, 1-based): chr12:123,253,700, T>C. VCF-style: chr12-123253700-T-C. GRCh37 (hg19) VCF-style: chr12-123738247-T-C.
Other names: p.Phe9Ser; c.26T>C, p.Phe9Ser (NM_001143905.2, NM_001194995.1); c.26T>C (NM_152269.4); short protein forms F9S.
Identifiers: ClinVar variation 2067895 (VCV002067895.3), dbSNP rs148657561, ClinGen allele CA6856502.

ClinVar aggregate classification (germline): Uncertain significance. Review status: criteria provided, multiple submitters, no conflicts (2 of 4 stars). 3 submissions from 3 submitters: Uncertain significance (3). Last evaluated 2023-04-27.

Conditions:
Spastic paraplegia. Identifiers: MedGen C0037772, HP:0001258.
Combined oxidative phosphorylation defect type 7. Identifiers: Orphanet 254930, MedGen C3150801, MONDO:0013306, OMIM 613559.

Allele frequency attached by ClinVar (database versions not stated): ExAC 0.00001; gnomAD 0.00002; gnomAD exomes 0.00002; TOPMed 0.00002; ESP Exome Variant Server 0.00008.
gnomAD v4.1: 25 of 1,614,068 alleles (0.0015%); highest among the groups gnomAD compares: Non-Finnish European, 0.0021%; no homozygotes.

Submissions (3):

Mayo Clinic Laboratories, Mayo Clinic
Classification: Uncertain significance. Last evaluated: 2023-04-27. Review status: criteria provided, single submitter. Criteria: ACMG Guidelines, 2015. Collection method: clinical testing. Allele origin: germline. Observed: 1 variant allele.
Comment: BP4

GeneDx
Classification: Uncertain significance. Last evaluated: 2022-12-28. Review status: criteria provided, single submitter. Criteria: GeneDx Variant Classification Process June 2021. Collection method: clinical testing. Allele origin: germline. Affected: yes.
Comment: Not observed at significant frequency in large population cohorts (gnomAD); In silico analysis supports that this missense variant has a deleterious effect on protein structure/function; Has not been previously published as pathogenic or benign to our knowledge

Labcorp Genetics (formerly Invitae), Labcorp
Classification: Uncertain significance for Combined oxidative phosphorylation defect type 7; Spastic paraplegia. Last evaluated: 2022-05-03. Review status: criteria provided, single submitter. Criteria: Invitae Variant Classification Sherloc (09022015). Collection method: clinical testing. Allele origin: germline.
Comment: This sequence change replaces phenylalanine, which is neutral and non-polar, with serine, which is neutral and polar, at codon 9 of the C12orf65 protein (p.Phe9Ser). This variant is present in population databases (rs148657561, gnomAD 0.002%). This variant has not been reported in the literature in individuals affected with C12orf65-related conditions. Algorithms developed to predict the effect of missense changes on protein structure and function (SIFT, PolyPhen-2, Align-GVGD) all suggest that this variant is likely to be tolerated. In summary, the available evidence is currently insufficient to determine the role of this variant in disease. Therefore, it has been classified as a Variant of Uncertain Significance.